The following is an entry in ClinVar:

ClinVar aggregate classification (germline): Uncertain significance (1 of 4 stars; one submission).

Submission:

Labcorp Genetics (formerly Invitae), Labcorp
Classification: Uncertain significance. Last evaluated: 2025-02-03. Review status: criteria provided, single submitter. Criteria: Invitae Variant Classification Sherloc (09022015). Collection method: clinical testing. Allele origin: germline.
Comment: This sequence change replaces lysine, which is basic and polar, with glutamic acid, which is acidic and polar, at codon 457 of the TSPEAR protein (p.Lys457Glu). This variant is not present in population databases (gnomAD no frequency). This missense change has been observed in individual(s) with ectodermal dysplasia (internal data). ClinVar contains an entry for this variant (Variation ID: 1720432). Invitae Evidence Modeling of protein sequence and biophysical properties (such as structural, functional, and spatial information, amino acid conservation, physicochemical variation, residue mobility, and thermodynamic stability) indicates that this missense variant is not expected to disrupt TSPEAR protein function with a negative predictive value of 80%. In summary, the available evidence is currently insufficient to determine the role of this variant in disease. Therefore, it has been classified as a Variant of Uncertain Significance.

NM_144991.3(TSPEAR):c.1369A>G (p.Lys457Glu)

Gene: TSPEAR (thrombospondin type laminin G domain and EAR repeats; minus strand). Cytogenetic location: 21q22.3.
Variant type: single nucleotide variant.
Coding change: c.1369A>G on transcript NM_144991.3 (MANE Select); coding-DNA position 1369, A replaced by G.
Protein change: p.Lys457Glu; replaces lysine 457 with glutamic acid.
Molecular consequence: missense variant.
Genome position (GRCh38, 1-based): chr21:44,522,080, T>C on the plus strand (A>G on the coding strand, the complement: TSPEAR is on the minus strand). VCF-style: chr21-44522080-T-C. GRCh37 (hg19) VCF-style: chr21-45941963-T-C.
Other names: c.1165A>G, p.Lys389Glu (NM_001272037.2); short protein forms K389E, K457E.
Identifiers: ClinVar variation 1720432 (VCV001720432.5), dbSNP rs1601356454, ClinGen allele CA410437590.